The following is an entry in ClinVar:

ClinVar aggregate classification (germline): Uncertain significance (1 of 4 stars; one submission).

Conditions:
Charcot-Marie-Tooth disease type 4. Also called: Charcot-Marie-Tooth disease, type IV; Charcot-Marie-Tooth, Type 4. Identifiers: Orphanet 64749, MedGen C4082197, MONDO:0018995.

Allele frequency attached by ClinVar (database versions not stated): gnomAD exomes below 0.00001; TOPMed below 0.00001; gnomAD 0.00001.
gnomAD v4.1: 3 of 1,609,930 alleles (0.00019%); highest among the groups gnomAD compares: Non-Finnish European, 0.00026%; no homozygotes.

Submission:

Labcorp Genetics (formerly Invitae), Labcorp
Classification: Uncertain significance for Charcot-Marie-Tooth disease type 4. Last evaluated: 2017-09-07. Review status: criteria provided, single submitter. Criteria: Invitae Variant Classification Sherloc (09022015). Collection method: clinical testing. Allele origin: germline.
Comment: In summary, the available evidence is currently insufficient to determine the role of this variant in disease. Therefore, it has been classified as a Variant of Uncertain Significance. Algorithms developed to predict the effect of missense changes on protein structure and function (SIFT, PolyPhen-2, Align-GVGD) all suggest that this variant is likely to be tolerated, but these predictions have not been confirmed by published functional studies and their clinical significance is uncertain. This variant has not been reported in the literature in individuals with SBF2-related disease. This variant is not present in population databases (ExAC no frequency). This sequence change replaces serine with alanine at codon 309 of the SBF2 protein (p.Ser309Ala). The serine residue is moderately conserved and there is a moderate physicochemical difference between serine and alanine.

NM_030962.4(SBF2):c.925T>G (p.Ser309Ala)

Gene: SBF2 (SET binding factor 2; minus strand). Cytogenetic location: 11p15.4.
Variant type: single nucleotide variant.
Coding change: c.925T>G on transcript NM_030962.4 (MANE Select); coding-DNA position 925, T replaced by G.
Protein change: p.Ser309Ala; replaces serine 309 with alanine.
Molecular consequence: missense variant.
Genome position (GRCh38, 1-based): chr11:9,998,316, A>C on the plus strand (T>G on the coding strand, the complement: SBF2 is on the minus strand). VCF-style: chr11-9998316-A-C. GRCh37 (hg19) VCF-style: chr11-10019863-A-C.
Other names: c.925T>G, p.Ser309Ala (NM_001386339.1, NM_001386342.1); short protein forms S309A.
Identifiers: ClinVar variation 543405 (VCV000543405.10), dbSNP rs1300253311, ClinGen allele CA379639806.